The following is an entry in ClinVar:

NM_002691.4(POLD1):c.1619G>C (p.Gly540Ala)

Gene: POLD1 (DNA polymerase delta 1, catalytic subunit; plus strand). Cytogenetic location: 19q13.33.
Variant type: single nucleotide variant.
Coding change: c.1619G>C on transcript NM_002691.4 (MANE Select); coding-DNA position 1619, G replaced by C.
Protein change: p.Gly540Ala; replaces glycine 540 with alanine.
Molecular consequence: missense variant. On other transcripts: non-coding transcript variant (1).
Genome position (GRCh38, 1-based): chr19:50,407,107, G>C. VCF-style: chr19-50407107-G-C. GRCh37 (hg19) VCF-style: chr19-50910364-G-C.
Other names: c.1619G>C, p.Gly540Ala (NM_001256849.1, NM_001308632.1); short protein forms G540A.
Identifiers: ClinVar variation 646886 (VCV000646886.8), dbSNP rs1601219675, ClinGen allele CA406980987.

ClinVar aggregate classification (germline): Uncertain significance (1 of 4 stars; one submission).

Conditions:
POLD1-related polyposis and colorectal cancer syndrome (CRCS10). Also called: Colorectal cancer, susceptibility to, 10; Colorectal cancer 10; COLORECTAL CANCER, SUSCEPTIBILITY TO, ON CHROMOSOME 19q. Identifiers: Orphanet 220460, MedGen C2675481, MONDO:0012953, OMIM 612591.

Submission:

Labcorp Genetics (formerly Invitae), Labcorp
Classification: Uncertain significance for POLD1-related polyposis and colorectal cancer syndrome. Last evaluated: 2023-11-28. Review status: criteria provided, single submitter. Criteria: Invitae Variant Classification Sherloc (09022015). Collection method: clinical testing. Allele origin: germline.
Comment: This sequence change replaces glycine, which is neutral and non-polar, with alanine, which is neutral and non-polar, at codon 540 of the POLD1 protein (p.Gly540Ala). This variant is not present in population databases (gnomAD no frequency). This variant has not been reported in the literature in individuals affected with POLD1-related conditions. ClinVar contains an entry for this variant (Variation ID: 646886). Advanced modeling of protein sequence and biophysical properties (such as structural, functional, and spatial information, amino acid conservation, physicochemical variation, residue mobility, and thermodynamic stability) has been performed at Invitae for this missense variant, however the output from this modeling did not meet the statistical confidence thresholds required to predict the impact of this variant on POLD1 protein function. In summary, the available evidence is currently insufficient to determine the role of this variant in disease. Therefore, it has been classified as a Variant of Uncertain Significance.